The following is an entry in ClinVar:

ClinVar aggregate classification (germline): Uncertain significance (1 of 4 stars; one submission).

Conditions:
Senior-Loken syndrome 8 (SLSN8). Identifiers: Orphanet 3156, MedGen C4225376, MONDO:0014579, OMIM 616307.
Asphyxiating thoracic dystrophy 5 (SRTD5). Also called: SHORT-RIB THORACIC DYSPLASIA 5 WITH OR WITHOUT POLYDACTYLY; SHORT-RIB THORACIC DYSPLASIA 5 WITHOUT POLYDACTYLY. Identifiers: Orphanet 474, MedGen C3280598, MONDO:0013717, OMIM 614376.

Submission:

Labcorp Genetics (formerly Invitae), Labcorp
Classification: Uncertain significance for Senior-Loken syndrome 8; Asphyxiating thoracic dystrophy 5. Last evaluated: 2022-03-17. Review status: criteria provided, single submitter. Criteria: Invitae Variant Classification Sherloc (09022015). Collection method: clinical testing. Allele origin: germline.
Comment: This sequence change replaces cysteine, which is neutral and slightly polar, with tyrosine, which is neutral and polar, at codon 78 of the WDR19 protein (p.Cys78Tyr). This variant is not present in population databases (gnomAD no frequency). This variant has not been reported in the literature in individuals affected with WDR19-related conditions. Algorithms developed to predict the effect of missense changes on protein structure and function are either unavailable or do not agree on the potential impact of this missense change (SIFT: "Deleterious"; PolyPhen-2: "Benign"; Align-GVGD: "Class C0"). In summary, the available evidence is currently insufficient to determine the role of this variant in disease. Therefore, it has been classified as a Variant of Uncertain Significance.

NM_025132.4(WDR19):c.233G>A (p.Cys78Tyr)

Gene: WDR19 (WD repeat domain 19; plus strand). Cytogenetic location: 4p14.
Variant type: single nucleotide variant.
Coding change: c.233G>A on transcript NM_025132.4 (MANE Select); coding-DNA position 233, G replaced by A.
Protein change: p.Cys78Tyr; replaces cysteine 78 with tyrosine.
Molecular consequence: missense variant. On other transcripts: 5 prime UTR variant (1).
Genome position (GRCh38, 1-based): chr4:39,189,724, G>A. VCF-style: chr4-39189724-G-A. GRCh37 (hg19) VCF-style: chr4-39191344-G-A.
Other names: c.-132G>A (NM_001317924.2); short protein forms C78Y.
Identifiers: ClinVar variation 1447700 (VCV001447700.5), dbSNP rs200354828, ClinGen allele CA356631504.